The following is an entry in ClinVar:

NM_178012.5(TUBB2B):c.619C>G (p.Leu207Val)

Gene: TUBB2B (tubulin beta 2B class IIb; minus strand). Cytogenetic location: 6p25.2.
Variant type: single nucleotide variant.
Coding change: c.619C>G on transcript NM_178012.5 (MANE Select); coding-DNA position 619, C replaced by G.
Protein change: p.Leu207Val; replaces leucine 207 with valine.
Molecular consequence: missense variant.
Genome position (GRCh38, 1-based): chr6:3,225,470, G>C on the plus strand (C>G on the coding strand, the complement: TUBB2B is on the minus strand). VCF-style: chr6-3225470-G-C. GRCh37 (hg19) VCF-style: chr6-3225704-G-C.
Other names: short protein forms L207V.
Identifiers: ClinVar variation 3046019 (VCV003046019.2), dbSNP rs2533617490, ClinGen allele CA362587679.
Genomic context (GRCh38, chr6:3,225,470, plus strand): 5'-GGTTGAGGTCCCCGTAGGTGGGGGTGGTCAGCTTCAGGGTGCGGAAGCAGATGTCATACA[G>C]GGCCTCGTTGTCAATGCAGTAGGTTTCATCTGTGTTTTCCACCAGCTGGTGGACCGAGAG-3'
Protein context (NP_821080.1, residues 197-217): DETYCIDNEA[Leu207Val]YDICFRTLKL

ClinVar aggregate classification (germline): Uncertain significance (0 of 4 stars; one submission).

Conditions:
TUBB2B-related disorder. Also called: TUBB2B-related condition.

Submission:

PreventionGenetics, part of Exact Sciences
Classification: Uncertain significance for TUBB2B-related condition. Last evaluated: 2023-12-12. Review status: no assertion criteria provided. Collection method: clinical testing. Allele origin: germline.
Comment: The TUBB2B c.619C>G variant is predicted to result in the amino acid substitution p.Leu207Val. To our knowledge, this variant has not been reported in the literature or in a large population database, indicating this variant is rare. At this time, the clinical significance of this variant is uncertain due to the absence of conclusive functional and genetic evidence.